The following is an entry in ClinVar:

NM_015015.3(KDM4B):c.176C>A (p.Thr59Lys)

Gene: KDM4B (lysine demethylase 4B; plus strand). Cytogenetic location: 19p13.3.
Variant type: single nucleotide variant.
Coding change: c.176C>A on transcript NM_015015.3 (MANE Select); coding-DNA position 176, C replaced by A.
Protein change: p.Thr59Lys; replaces threonine 59 with lysine.
Molecular consequence: missense variant.
Genome position (GRCh38, 1-based): chr19:5,039,870, C>A. VCF-style: chr19-5039870-C-A. GRCh37 (hg19) VCF-style: chr19-5039881-C-A.
Other names: c.176C>A, p.Thr59Lys (NM_001370093.1, NM_001370094.1, NM_001411148.1); short protein forms T59K.
Identifiers: ClinVar variation 5009182 (VCV005009182.1).
Genomic context (GRCh38, chr19:5,039,870, plus strand): 5'-CACTGACTCCCATCTTGGTCTTGCAGATCATCCCCCCGAAGGAGTGGAAGCCGCGGCAGA[C>A]GTATGATGACATCGACGACGTGGTGATCCCGGCGCCCATCCAGCAGGTGGTGACGGGCCA-3'
Protein context (NP_055830.1, residues 49-69): IPPKEWKPRQ[Thr59Lys]YDDIDDVVIP

ClinVar aggregate classification (germline): Uncertain significance (1 of 4 stars; one submission).

Submission:

GeneDx
Classification: Uncertain significance. Last evaluated: 2026-03-14. Review status: criteria provided, single submitter. Criteria: GeneDx Variant Classification Process June 2021. Collection method: clinical testing. Allele origin: germline.
Comment: Not observed at significant frequency in large population cohorts (gnomAD); In silico analysis supports that this missense variant has a deleterious effect on protein structure/function; Has not been previously published as pathogenic or benign to our knowledge